The following is an entry in ClinVar:

NM_004960.4(FUS):c.630G>C (p.Gln210His)

Gene: FUS (FUS RNA binding protein; plus strand). Cytogenetic location: 16p11.2.
Variant type: single nucleotide variant.
Coding change: c.630G>C on transcript NM_004960.4 (MANE Select); coding-DNA position 630, G replaced by C.
Protein change: p.Gln210His; replaces glutamine 210 with histidine.
Molecular consequence: missense variant. On other transcripts: non-coding transcript variant (1).
Genome position (GRCh38, 1-based): chr16:31,185,045, G>C. VCF-style: chr16-31185045-G-C. GRCh37 (hg19) VCF-style: chr16-31196366-G-C.
Other names: c.627G>C, p.Gln209His (NM_001170634.1); c.618G>C, p.Gln206His (NM_001170937.1); short protein forms Q210H, Q206H, Q209H.
Identifiers: ClinVar variation 939159 (VCV000939159.9), dbSNP rs779124981, ClinGen allele CA280594736.
Genomic context (GRCh38, chr16:31,185,045, plus strand): 5'-TGGTGGCGGTTATGGCAATCAAGACCAGAGTGGTGGAGGTGGCAGCGGTGGCTATGGACA[G>C]CAGGACCGTGGAGGCCGCGGCAGGGGTGGCAGTGGTGGCGGCGGCGGCGGCGGCGGTGGT-3'
Protein context (NP_004951.1, residues 200-220): SGGGGSGGYG[Gln210His]QDRGGRGRGG

ClinVar aggregate classification (germline): Uncertain significance. Review status: criteria provided, multiple submitters, no conflicts (2 of 4 stars). 3 submissions from 3 submitters: Uncertain significance (3). Last evaluated 2026-01-23.

Conditions:
Tremor, hereditary essential, 4 (ETM4). Identifiers: MedGen C3539195, MONDO:0013888, OMIM 614782.
Amyotrophic lateral sclerosis type 6. Also called: FUS-Related Amyotrophic Laterial Sclerosis; AMYOTROPHIC LATERAL SCLEROSIS 6 WITHOUT FRONTOTEMPORAL DEMENTIA; Amyotrophic lateral sclerosis 6, with or without frontotemporal dementia. Identifiers: Orphanet 275872, Orphanet 803, MedGen C2931786, MONDO:0011951, OMIM 608030.
FUS-related disorder. Also called: FUS-related condition.

Allele frequency attached by ClinVar (database versions not stated): gnomAD exomes 0.00002 and 0.00005; TOPMed 0.00005; gnomAD 0.00006.
gnomAD v4.1: 76 of 1,612,204 alleles (0.0047%); highest among the groups gnomAD compares: Non-Finnish European, 0.0059%; no homozygotes.

Submissions (3):

PreventionGenetics, part of Exact Sciences
Classification: Uncertain significance for FUS-related condition. Last evaluated: 2026-01-23. Review status: criteria provided, single submitter. Criteria: ACMG Guidelines, 2015. Collection method: clinical testing. Allele origin: germline.
Comment: The FUS c.630G>C variant is predicted to result in the amino acid substitution p.Gln210His. This variant has been reported in two individuals with amyotrophic lateral sclerosis but also in four healthy controls between two different studies (Groen et al. 2010. PubMed ID: 20142531; van Blitterswijk et al. 2012. PubMed ID: 22645277). This variant is reported in 0.0058% of alleles in individuals of Latino descent in gnomAD. Although we suspect that this variant may be benign, at this time, the clinical significance of this variant is uncertain due to the absence of conclusive functional and genetic evidence.

Labcorp Genetics (formerly Invitae), Labcorp
Classification: Uncertain significance for Tremor, hereditary essential, 4; Amyotrophic lateral sclerosis type 6. Last evaluated: 2025-10-27. Review status: criteria provided, single submitter. Criteria: Invitae Variant Classification Sherloc (09022015). Collection method: clinical testing. Allele origin: germline.
Comment: This sequence change replaces glutamine, which is neutral and polar, with histidine, which is basic and polar, at codon 210 of the FUS protein (p.Gln210His). This variant is present in population databases (rs779124981, gnomAD 0.006%). This variant has not been reported in the literature in individuals affected with FUS-related conditions. ClinVar contains an entry for this variant (Variation ID: 939159). Experimental studies and prediction algorithms are not available or were not evaluated, and the functional significance of this variant is currently unknown. In summary, the available evidence is currently insufficient to determine the role of this variant in disease. Therefore, it has been classified as a Variant of Uncertain Significance.

Revvity Omics, Revvity
Classification: Uncertain significance. Last evaluated: 2022-06-07. Review status: criteria provided, single submitter. Criteria: ACMG Guidelines, 2015. Collection method: clinical testing. Allele origin: germline.